The following is an entry in ClinVar:

ClinVar aggregate classification (germline): Uncertain significance (1 of 4 stars; one submission).

gnomAD v4.1: 7 of 1,559,024 alleles (0.00045%); highest among the groups gnomAD compares: Non-Finnish European, 0.00061%; no homozygotes.

Submission:

GeneDx
Classification: Uncertain significance. Last evaluated: 2024-08-22. Review status: criteria provided, single submitter. Criteria: GeneDx Variant Classification Process June 2021. Collection method: clinical testing. Allele origin: germline. Affected: yes.
Comment: Not observed at significant frequency in large population cohorts (gnomAD); In silico analysis supports that this missense variant has a deleterious effect on protein structure/function; Has not been previously published as pathogenic or benign to our knowledge

NM_021096.4(CACNA1I):c.2344C>G (p.His782Asp)

Gene: CACNA1I (calcium voltage-gated channel subunit alpha1 I; plus strand). Cytogenetic location: 22q13.1.
Variant type: single nucleotide variant.
Coding change: c.2344C>G on transcript NM_021096.4 (MANE Select); coding-DNA position 2344, C replaced by G.
Protein change: p.His782Asp; replaces histidine 782 with aspartic acid.
Molecular consequence: missense variant.
Genome position (GRCh38, 1-based): chr22:39,659,446, C>G. VCF-style: chr22-39659446-C-G. GRCh37 (hg19) VCF-style: chr22-40055451-C-G.
Other names: c.2239C>G, p.His747Asp (NM_001003406.2); short protein forms H747D, H782D.
Identifiers: ClinVar variation 3764129 (VCV003764129.1).
Genomic context (GRCh38, chr22:39,659,446, plus strand): 5'-AGTTTGGTGCATGTGAGTCCGATGAGCCTCTTCCATCCTTTCCCCAGCATCCTTGGGATG[C>G]ATATTTTTGGCTGCAAGTTCAGCCTCCGCACGGACACTGGAGACACGGTGCCCGACAGGA-3'
Protein context (NP_066919.2, residues 772-792): FIFIFSILGM[His782Asp]IFGCKFSLRT